The following is an entry in ClinVar:

ClinVar aggregate classification (germline): Conflicting classifications of pathogenicity. Review status: criteria provided, conflicting classifications (1 of 4 stars). 8 submissions from 7 submitters: Uncertain significance (4); Likely benign (3). 1 of the submissions does not count toward it. Last evaluated 2026-06-01.

Conditions:
Autosomal recessive nonsyndromic hearing loss 31. Also called: WHIRLER, MOUSE, HOMOLOG OF. Identifiers: Orphanet 90636, MedGen C1846839, MONDO:0011767, OMIM 607084.
Usher syndrome type 2D. Also called: USHER SYNDROME, TYPE IID. Identifiers: Orphanet 231178, Orphanet 886, MedGen C1568249, MONDO:0012662, OMIM 611383.

Allele frequency attached by ClinVar (database versions not stated): 1000 Genomes Project 30x 0.00031; gnomAD exomes 0.00054 and 0.00089; gnomAD 0.00058 and 0.00053; ExAC 0.00057; TOPMed 0.00078; ESP Exome Variant Server 0.00115; 1000 Genomes Project 0.00020.
gnomAD v4.1: 1,392 of 1,611,128 alleles (0.086%); highest among the groups gnomAD compares: Non-Finnish European, 0.11%; 2 homozygotes.

Submissions (8):

CeGaT Center for Human Genetics Tuebingen
Classification: Likely benign. Last evaluated: 2026-06-01. Review status: criteria provided, single submitter. Criteria: CeGaT Center For Human Genetics Tuebingen Variant Classification Criteria Version 2. Collection method: clinical testing. Allele origin: germline. Affected: yes. Observed: 3 variant alleles.
Comment: WHRN: BS1:Supporting

Blueprint Genetics
Classification: Likely benign. Last evaluated: 2024-11-20. Review status: criteria provided, single submitter. Criteria: ACMG Guidelines, 2015. Collection method: clinical testing. Allele origin: germline.

Labcorp Genetics (formerly Invitae), Labcorp
Classification: Uncertain significance. Last evaluated: 2024-01-29. Review status: criteria provided, single submitter. Criteria: Invitae Variant Classification Sherloc (09022015). Collection method: clinical testing. Allele origin: germline.
Comment: This sequence change replaces alanine, which is neutral and non-polar, with aspartic acid, which is acidic and polar, at codon 64 of the WHRN protein (p.Ala64Asp). This variant is present in population databases (rs146655362, gnomAD 0.1%), and has an allele count higher than expected for a pathogenic variant. This variant has not been reported in the literature in individuals affected with WHRN-related conditions. ClinVar contains an entry for this variant (Variation ID: 45664). An algorithm developed to predict the effect of missense changes on protein structure and function (PolyPhen-2) suggests that this variant¬†is likely to be tolerated. In summary, the available evidence is currently insufficient to determine the role of this variant in disease. Therefore, it has been classified as a Variant of Uncertain Significance.

Illumina Laboratory Services, Illumina
Classification: Uncertain significance for Usher syndrome type 2D. Last evaluated: 2018-01-12. Review status: criteria provided, single submitter. Criteria: ICSL Variant Classification Criteria 13 December 2019. Collection method: clinical testing. Allele origin: germline.

Illumina Laboratory Services, Illumina
Classification: Uncertain significance for Autosomal recessive nonsyndromic hearing loss 31. Last evaluated: 2018-01-12. Review status: criteria provided, single submitter. Criteria: ICSL Variant Classification Criteria 13 December 2019. Collection method: clinical testing. Allele origin: germline.

Eurofins Ntd Llc (ga)
Classification: Uncertain significance. Last evaluated: 2013-08-16. Review status: criteria provided, single submitter. Criteria: EGL Classification Definitions 2015. Collection method: clinical testing. Allele origin: germline. Observed: 1 variant allele, 1 heterozygote.

Laboratory for Molecular Medicine, Mass General Brigham Personalized Medicine
Classification: Likely benign. Last evaluated: 2012-12-28. Review status: criteria provided, single submitter. Criteria: LMM Criteria. Collection method: clinical testing. Allele origin: germline. Observed: 3 variant alleles.
Comment: Ala64Asp in exon 1 of DFNB31: This variant is not expected to have clinical sign ificance because it has been identified in 0.2% (15/8598) of European American c hromosomes from a broad population by the NHLBI Exome Sequencing Project (dbSNP rs146655362).

Division of Human Genetics, Children's Hospital of Philadelphia
Classification: Uncertain significance for Autosomal recessive nonsyndromic hearing loss 31; Usher syndrome type 2D. Last evaluated: 2015-10-13. Review status: no assertion criteria provided. Collection method: research. Allele origin: maternal. Affected: yes. Study: CSER-PediSeq. Not counted in ClinVar's aggregate classification.

NM_015404.4(WHRN):c.191C>A (p.Ala64Asp)

Gene: WHRN (whirlin; minus strand). Cytogenetic location: 9q32.
Variant type: single nucleotide variant.
Coding change: c.191C>A on transcript NM_015404.4 (MANE Select); coding-DNA position 191, C replaced by A.
Protein change: p.Ala64Asp; replaces alanine 64 with aspartic acid.
Molecular consequence: missense variant.
Genome position (GRCh38, 1-based): chr9:114,504,611, G>T on the plus strand (C>A on the coding strand, the complement: WHRN is on the minus strand). VCF-style: chr9-114504611-G-T. GRCh37 (hg19) VCF-style: chr9-117266891-G-T.
Other names: c.191C>A, p.Ala64Asp (NM_001173425.2); short protein forms A64D.
Identifiers: ClinVar variation 45664 (VCV000045664.43), dbSNP rs146655362, ClinGen allele CA136900.